The following is an entry in ClinVar:

ClinVar aggregate classification (germline): Benign (1 of 4 stars; one submission).

Conditions:
Renpenning syndrome. Also called: Mental retardation, X-linked Renpenning type; X-linked mental retardation with spastic diplegia; X-linked mental retardation syndromic 3; Sutherland-Haan syndrome; GOLABI-ITO-HALL SYNDROME; MENTAL RETARDATION, X-LINKED 55. Identifiers: Orphanet 3242, MedGen C0796135, MONDO:0010653, OMIM 309500.

Allele frequency attached by ClinVar (database versions not stated): gnomAD 0.00005 and 0.00011; TOPMed 0.00005; gnomAD exomes 0.00009 and 0.00026; ExAC 0.00010; 1000 Genomes Project 30x 0.00104; 1000 Genomes Project 0.00132.
gnomAD v4.1: 289 of 1,209,820 alleles (0.024%); highest among the groups gnomAD compares: East Asian, 0.77%; 2 homozygotes.

Submission:

Illumina Laboratory Services, Illumina
Classification: Benign for Renpenning syndrome. Last evaluated: 2018-01-12. Review status: criteria provided, single submitter. Criteria: ICSL Variant Classification Criteria 13 December 2019. Collection method: clinical testing. Allele origin: germline.
Comment: This variant was observed in the ICSL laboratory as part of a predisposition screen in an ostensibly healthy population. It had not been previously curated by ICSL or reported in the Human Gene Mutation Database (HGMD: prior to June 1st, 2018), and was therefore a candidate for classification through an automated scoring system. Utilizing variant allele frequency, disease prevalence and penetrance estimates, and inheritance mode, an automated score was calculated to assess if this variant is too frequent to cause the disease. Based on the score and internal cut-off values, a variant classified as benign is not then subjected to further curation. The score for this variant resulted in a classification of benign for this disease.

NM_001032382.2(PQBP1):c.267C>T (p.Ala89=)

Gene: PQBP1 (polyglutamine binding protein 1; plus strand). Cytogenetic location: Xp11.23.
Variant type: single nucleotide variant.
Coding change: c.267C>T on transcript NM_001032382.2 (MANE Select); coding-DNA position 267, C replaced by T.
Protein change: p.Ala89=; no amino-acid change (alanine 89 retained).
Molecular consequence: synonymous variant. On other transcripts: intron variant (1).
Genome position (GRCh38, 1-based): chrX:48,902,017, C>T. VCF-style: chrX-48902017-C-T. GRCh37 (hg19) VCF-style: chrX-48759294-C-T.
Other names: c.267C>T, p.Ala89= (NM_005710.2, NM_001032381.2, NM_001032383.2 and 3 more transcripts); c.243C>T, p.Ala81= (NM_001167990.2); c.201+66C>T (NM_001167992.1).
Identifiers: ClinVar variation 912838 (VCV000912838.4), dbSNP rs139730174, ClinGen allele CA10405880.
Genomic context (GRCh38, chrX:48,902,017, plus strand): 5'-CACAGACCTTGTATCCTGGCTCTCCCCACATGACCCCAACTCCGTGGTTACCAAATCGGC[C>T]AAGAAGCTCAGAAGCAGTAATGCAGGTGAGTTGGCAGGTACAAGCGTGCCTTGAGTGATC-3'
Protein context (NP_001027554.1, residues 79-99): HDPNSVVTKS[Ala89=]KKLRSSNADA